The following is an entry in ClinVar:

ClinVar aggregate classification (germline): Uncertain significance (1 of 4 stars; one submission).

Submission:

Ambry Genetics
Classification: Uncertain significance. Last evaluated: 2022-11-05. Review status: criteria provided, single submitter. Criteria: Ambry Variant Classification Scheme 2023. Collection method: clinical testing. Allele origin: germline.
Comment: The p.S51G variant (also known as c.151A>G), located in coding exon 2 of the KIF1B gene, results from an A to G substitution at nucleotide position 151. The serine at codon 51 is replaced by glycine, an amino acid with similar properties. This amino acid position is conserved. In addition, the in silico prediction for this alteration is inconclusive. Since supporting evidence is limited at this time, the clinical significance of this alteration remains unclear.

NM_001365951.3(KIF1B):c.151A>G (p.Ser51Gly)

Gene: KIF1B (kinesin family member 1B; plus strand). Cytogenetic location: 1p36.22.
Variant type: single nucleotide variant.
Coding change: c.151A>G on transcript NM_001365951.3 (MANE Select); coding-DNA position 151, A replaced by G.
Protein change: p.Ser51Gly; replaces serine 51 with glycine.
Molecular consequence: missense variant.
Genome position (GRCh38, 1-based): chr1:10,256,291, A>G. VCF-style: chr1-10256291-A-G. GRCh37 (hg19) VCF-style: chr1-10316349-A-G.
Other names: c.151A>G, p.Ser51Gly (NM_001365952.1, NM_001365953.1, NM_015074.3 and 1 more transcripts); short protein forms S51G.
Identifiers: ClinVar variation 2448696 (VCV002448696.2), dbSNP rs1252266328, ClinGen allele CA338323110.